The following is an entry in ClinVar:

NM_001330078.2(NRXN1):c.277T>G (p.Phe93Val)

Gene: NRXN1 (neurexin 1; minus strand). Cytogenetic location: 2p16.3.
Variant type: single nucleotide variant.
Coding change: c.277T>G on transcript NM_001330078.2 (MANE Select); coding-DNA position 277, T replaced by G.
Protein change: p.Phe93Val; replaces phenylalanine 93 with valine.
Molecular consequence: missense variant.
Genome position (GRCh38, 1-based): chr2:51,027,997, A>C on the plus strand (T>G on the coding strand, the complement: NRXN1 is on the minus strand). VCF-style: chr2-51027997-A-C. GRCh37 (hg19) VCF-style: chr2-51255135-A-C.
Other names: c.277T>G, p.Phe93Val (NM_001135659.3, NM_001330077.2, NM_001330079.2 and 15 more transcripts); short protein forms F93V.
Identifiers: ClinVar variation 1415711 (VCV001415711.8), dbSNP rs2105332415, ClinGen allele CA346824325.

ClinVar aggregate classification (germline): Uncertain significance (1 of 4 stars; one submission).

Conditions:
Pitt-Hopkins-like syndrome 2 (PTHSL2). Identifiers: Orphanet 221150, Orphanet 600663, MedGen C3280479, MONDO:0013690, OMIM 614325.

Submission:

Labcorp Genetics (formerly Invitae), Labcorp
Classification: Uncertain significance for Pitt-Hopkins-like syndrome 2. Last evaluated: 2020-11-10. Review status: criteria provided, single submitter. Criteria: Invitae Variant Classification Sherloc (09022015). Collection method: clinical testing. Allele origin: germline.
Comment: This sequence change replaces phenylalanine with valine at codon 93 of the NRXN1 protein (p.Phe93Val). The phenylalanine residue is highly conserved and there is a small physicochemical difference between phenylalanine and valine. In summary, the available evidence is currently insufficient to determine the role of this variant in disease. Therefore, it has been classified as a Variant of Uncertain Significance. Algorithms developed to predict the effect of missense changes on protein structure and function are either unavailable or do not agree on the potential impact of this missense change (SIFT: "Deleterious"; PolyPhen-2: "Possibly Damaging"; Align-GVGD: "Class C0"). This variant has not been reported in the literature in individuals with NRXN1-related conditions. This variant is not present in population databases (ExAC no frequency).